The following is an entry in ClinVar:

NM_004168.4(SDHA):c.922A>G (p.Thr308Ala)

Gene: SDHA (succinate dehydrogenase complex flavoprotein subunit A; plus strand). Cytogenetic location: 5p15.33.
Variant type: single nucleotide variant.
Coding change: c.922A>G on transcript NM_004168.4 (MANE Select); coding-DNA position 922, A replaced by G.
Protein change: p.Thr308Ala; replaces threonine 308 with alanine.
Molecular consequence: missense variant.
Genome position (GRCh38, 1-based): chr5:233,503, A>G. VCF-style: chr5-233503-A-G. GRCh37 (hg19) VCF-style: chr5-233618-A-G.
Other names: c.778A>G, p.Thr260Ala (NM_001294332.2); c.922A>G, p.Thr308Ala (NM_001330758.2); short protein forms T260A, T308A.
Identifiers: ClinVar variation 2944019 (VCV002944019.3), dbSNP rs2477348504, ClinGen allele CA359012566.

ClinVar aggregate classification (germline): Uncertain significance (1 of 4 stars; one submission).

Conditions:
Mitochondrial complex II deficiency, nuclear type 1. Also called: SUCCINATE CoQ REDUCTASE DEFICIENCY. Identifiers: Orphanet 3208, MedGen C5700310, MONDO:0100294, OMIM 252011.
Pheochromocytoma/paraganglioma syndrome 5. Also called: Paragangliomas 5; SDHA-Related Hereditary Paraganglioma-Pheochromocytoma Syndrome. Identifiers: Orphanet 29072, MedGen C3279992, MONDO:0013602, OMIM 614165.

Submission:

Labcorp Genetics (formerly Invitae), Labcorp
Classification: Uncertain significance for Pheochromocytoma/paraganglioma syndrome 5; Mitochondrial complex II deficiency, nuclear type 1. Last evaluated: 2023-02-08. Review status: criteria provided, single submitter. Criteria: Invitae Variant Classification Sherloc (09022015). Collection method: clinical testing. Allele origin: germline.
Comment: This sequence change replaces threonine, which is neutral and polar, with alanine, which is neutral and non-polar, at codon 308 of the SDHA protein (p.Thr308Ala). This variant is not present in population databases (gnomAD no frequency). This variant has not been reported in the literature in individuals affected with SDHA-related conditions. Advanced modeling of protein sequence and biophysical properties (such as structural, functional, and spatial information, amino acid conservation, physicochemical variation, residue mobility, and thermodynamic stability) performed at Invitae indicates that this missense variant is not expected to disrupt SDHA protein function. This variant disrupts the p.Thr308 amino acid residue in SDHA. Other variant(s) that disrupt this residue have been determined to be pathogenic (PMID: 28500238, 28546994; Invitae; external communication). This suggests that this residue is clinically significant, and that variants that disrupt this residue are likely to be disease-causing. In summary, the available evidence is currently insufficient to determine the role of this variant in disease. Therefore, it has been classified as a Variant of Uncertain Significance.

Literature cited by the submitters: PubMed 28500238; PubMed 28546994.